The following is an entry in ClinVar:

NM_005045.4(RELN):c.8083A>T (p.Ile2695Phe)

Gene: RELN (reelin; minus strand). Cytogenetic location: 7q22.1.
Variant type: single nucleotide variant.
Coding change: c.8083A>T on transcript NM_005045.4 (MANE Select); coding-DNA position 8083, A replaced by T.
Protein change: p.Ile2695Phe; replaces isoleucine 2695 with phenylalanine.
Molecular consequence: missense variant.
Genome position (GRCh38, 1-based): chr7:103,515,221, T>A on the plus strand (A>T on the coding strand, the complement: RELN is on the minus strand). VCF-style: chr7-103515221-T-A. GRCh37 (hg19) VCF-style: chr7-103155668-T-A.
Other names: c.8083A>T, p.Ile2695Phe (NM_173054.3); short protein forms I2695F.
Identifiers: ClinVar variation 2229121 (VCV002229121.3), dbSNP rs1829531529, ClinGen allele CA368762720.

ClinVar aggregate classification (germline): Uncertain significance. Review status: criteria provided, multiple submitters, no conflicts (2 of 4 stars). 2 submissions from 2 submitters: Uncertain significance (2). Last evaluated 2025-09-17.

Conditions:
Norman-Roberts syndrome (LIS2). Also called: Lissencephaly 2 (Norman-Roberts type). Identifiers: Orphanet 89844, MedGen C0796089, MONDO:0009760, OMIM 257320.
Familial temporal lobe epilepsy 7. Identifiers: Orphanet 101046, MedGen C4225327, MONDO:0014639, OMIM 616436.
Inborn genetic diseases. Identifiers: MedGen C0950123, MeSH D030342.

Allele frequency attached by ClinVar (database versions not stated): TOPMed below 0.00001; gnomAD 0.00001; gnomAD exomes 0.00001.
gnomAD v4.1: 9 of 1,614,056 alleles (0.00056%); highest among the groups gnomAD compares: African/African-American, 0.0013%; no homozygotes.

Submissions (2):

Labcorp Genetics (formerly Invitae), Labcorp
Classification: Uncertain significance for Familial temporal lobe epilepsy 7; Norman-Roberts syndrome. Last evaluated: 2025-09-17. Review status: criteria provided, single submitter. Criteria: Invitae Variant Classification Sherloc (09022015). Collection method: clinical testing. Allele origin: germline.
Comment: This sequence change replaces isoleucine, which is neutral and non-polar, with phenylalanine, which is neutral and non-polar, at codon 2695 of the RELN protein (p.Ile2695Phe). This variant is not present in population databases (gnomAD no frequency). This variant has not been reported in the literature in individuals affected with RELN-related conditions. ClinVar contains an entry for this variant (Variation ID: 2229121). Invitae Evidence Modeling of protein sequence and biophysical properties (such as structural, functional, and spatial information, amino acid conservation, physicochemical variation, residue mobility, and thermodynamic stability) indicates that this missense variant is not expected to disrupt RELN protein function with a negative predictive value of 80%. In summary, the available evidence is currently insufficient to determine the role of this variant in disease. Therefore, it has been classified as a Variant of Uncertain Significance.

Ambry Genetics
Classification: Uncertain significance for Inborn genetic diseases. Last evaluated: 2021-02-11. Review status: criteria provided, single submitter. Criteria: Ambry Variant Classification Scheme 2023. Collection method: clinical testing. Allele origin: germline.
Comment: The c.8083A>T (p.I2695F) alteration is located in exon 50 (coding exon 50) of the RELN gene. This alteration results from a A to T substitution at nucleotide position 8083, causing the isoleucine (I) at amino acid position 2695 to be replaced by a phenylalanine (F). Based on data from the Genome Aggregation Database (gnomAD), the RELN c.8083A>T alteration was not observed, with coverage at this position. The p.I2695F alteration is predicted to be tolerated by in silico analysis. Based on insufficient or conflicting evidence, the clinical significance of this alteration remains unclear.